The following is an entry in ClinVar:

NM_000179.3(MSH6):c.2628A>C (p.Glu876Asp)

Gene: MSH6 (mutS homolog 6; plus strand). Cytogenetic location: 2p16.3.
Variant type: single nucleotide variant.
Coding change: c.2628A>C on transcript NM_000179.3 (MANE Select); coding-DNA position 2628, A replaced by C.
Protein change: p.Glu876Asp; replaces glutamic acid 876 with aspartic acid.
Molecular consequence: missense variant. On other transcripts: non-coding transcript variant (5), intron variant (3).
Genome position (GRCh38, 1-based): chr2:47,800,611, A>C. VCF-style: chr2-47800611-A-C. GRCh37 (hg19) VCF-style: chr2-48027750-A-C.
Other names: c.2238A>C, p.Glu746Asp (NM_001281492.2); c.1722A>C, p.Glu574Asp (NM_001281493.2, NM_001281494.2, NM_001406823.1 and 6 more transcripts); c.2724A>C, p.Glu908Asp (NM_001406795.1, NM_001406802.1); c.2628A>C, p.Glu876Asp (NM_001406796.1, NM_001406798.1, NM_001406800.1 and 2 more transcripts); c.2331A>C, p.Glu777Asp (NM_001406797.1, NM_001406801.1, NM_001406805.1 and 10 more transcripts); c.2103A>C, p.Glu701Asp (NM_001406799.1, NM_001406806.1, NM_001406807.1); c.2550A>C, p.Glu850Asp (NM_001406804.1); c.2460A>C, p.Glu820Asp (NM_001406826.1); and 4 more; short protein forms E701D, E746D, E820D, E876D, E574D, E878D, E908D, E777D.
Identifiers: ClinVar variation 3633954 (VCV003633954.2).

ClinVar aggregate classification (germline): Uncertain significance (1 of 4 stars; one submission).

Conditions:
Hereditary nonpolyposis colorectal neoplasms. Identifiers: MedGen C0009405, MeSH D003123.

Submission:

Labcorp Genetics (formerly Invitae), Labcorp
Classification: Uncertain significance for Hereditary nonpolyposis colorectal neoplasms. Last evaluated: 2024-06-29. Review status: criteria provided, single submitter. Criteria: Invitae Variant Classification Sherloc (09022015). Collection method: clinical testing. Allele origin: germline.
Comment: This sequence change replaces glutamic acid, which is acidic and polar, with aspartic acid, which is acidic and polar, at codon 876 of the MSH6 protein (p.Glu876Asp). This variant is not present in population databases (gnomAD no frequency). This variant has not been reported in the literature in individuals affected with MSH6-related conditions. Advanced modeling of protein sequence and biophysical properties (such as structural, functional, and spatial information, amino acid conservation, physicochemical variation, residue mobility, and thermodynamic stability) performed at Invitae indicates that this missense variant is not expected to disrupt MSH6 protein function with a negative predictive value of 95%. In summary, the available evidence is currently insufficient to determine the role of this variant in disease. Therefore, it has been classified as a Variant of Uncertain Significance.